The following is an entry in ClinVar:

NM_001001548.3(CD36):c.1079T>G (p.Leu360Ter)

Gene: CD36 (CD36 molecule (CD36 blood group); plus strand). Cytogenetic location: 7q21.11.
Variant type: single nucleotide variant.
Coding change: c.1079T>G on transcript NM_001001548.3 (MANE Select); coding-DNA position 1079, T replaced by G.
Protein change: p.Leu360Ter; replaces leucine 360 with a stop codon.
Molecular consequence: nonsense. On other transcripts: non-coding transcript variant (1).
Genome position (GRCh38, 1-based): chr7:80,671,994, T>G. VCF-style: chr7-80671994-T-G. GRCh37 (hg19) VCF-style: chr7-80301310-T-G.
Other names: c.1079T>G (NM_001127443.1, NM_001001548.2); c.1079T>G, p.Leu360Ter (NM_000072.3, NM_001001547.3, NM_001127443.2 and 5 more transcripts); c.962T>G, p.Leu321Ter (NM_001289908.1); c.899T>G, p.Leu300Ter (NM_001289909.1); c.851T>G, p.Leu284Ter (NM_001289911.2); c.977T>G, p.Leu326Ter (NM_001371079.1); c.614T>G, p.Leu205Ter (NM_001371080.1, NM_001371081.1); short protein forms L360*, L284*, L321*, L300*, L205*, L326*.
Identifiers: ClinVar variation 632507 (VCV000632507.57), dbSNP rs56381858, ClinGen allele CA4315577.

ClinVar aggregate classification (germline): Conflicting classifications of pathogenicity. Review status: criteria provided, conflicting classifications (1 of 4 stars). 13 submissions from 13 submitters: Pathogenic (5); Likely pathogenic (6); Uncertain significance (1). 1 of the submissions does not count toward it. Last evaluated 2026-09-25.

Conditions:
CD36-related disorder. Also called: CD36-related condition; CD36-related disorders.
Platelet-type bleeding disorder 10. Also called: CD36 DEFICIENCY. Identifiers: MedGen C1842090, MONDO:0012031, OMIM 608404.

Allele frequency attached by ClinVar (database versions not stated): gnomAD 0.00017 and 0.00022; TOPMed 0.00019; ExAC 0.00026; ESP Exome Variant Server 0.00038.
gnomAD v4.1: 423 of 1,608,756 alleles (0.026%); highest among the groups gnomAD compares: Middle Eastern, 1.4%; 1 homozygote.

Submissions (13):

PreventionGenetics, part of Exact Sciences
Classification: Likely pathogenic for CD36-related condition. Last evaluated: 2026-09-25. Review status: criteria provided, single submitter. Criteria: ACMG Guidelines, 2015. Collection method: clinical testing. Allele origin: germline.
Comment: The CD36 c.1079T>G variant is predicted to result in premature protein termination (p.Leu360*). This variant has been reported in both the homozygous and compound heterozygous states in four patients with CD36 deficiency (Table 2, Flesch et al. 2021. PubMed ID: 33822386). This variant has been also reported in a family with diabetes, and an individual with severe hemophilia A (Leprêtre et al. 2004. PubMed ID: 15221799; Gorski et al. 2016. PubMed ID: 27060170). This variant was also reported in the heterozygous state in an individual who volunteered for whole-genome sequencing; however, additional information on previously identified conditions was not noted (Supplementary Table sd01, Hou et al 2020. PubMed ID: 31980526). This variant is reported in 0.040% of alleles in individuals of European (Non-Finnish) descent in gnomAD. Nonsense variants in CD36 are expected to be pathogenic. This variant is interpreted as likely pathogenic.

Dasa
Classification: Likely pathogenic. Last evaluated: 2026-02-02. Review status: criteria provided, single submitter. Criteria: DASA Assertion Criteria. Collection method: clinical testing. Allele origin: germline.
Comment: NM_001001548.3(CD36):c.1079T>G (p.Leu360*) is a nonsense variant in CD36 predicted to introduce a premature termination codon and is predicted to result in an absent or altered protein product. Loss of function is an established disease mechanism for CD36-associated disorders. This variant has been reported in individuals with CD36-related disorders (PMID: 40033798). Also, this variant is rare in population databases. Based on the currently available evidence, this variant is classified as likely pathogenic.

CeGaT Center for Human Genetics Tuebingen
Classification: Pathogenic. Last evaluated: 2025-11-01. Review status: criteria provided, single submitter. Criteria: CeGaT Center For Human Genetics Tuebingen Variant Classification Criteria Version 2. Collection method: clinical testing. Allele origin: germline. Affected: yes. Observed: 4 variant alleles.
Comment: CD36: PVS1, PM2

Revvity Omics, Revvity
Classification: Likely pathogenic for Platelet-type bleeding disorder 10. Last evaluated: 2025-05-29. Review status: criteria provided, single submitter. Criteria: ACMG Guidelines, 2015. Collection method: clinical testing. Allele origin: germline.

Institute of Human Genetics, University of Leipzig Medical Center
Classification: Pathogenic for Platelet-type bleeding disorder 10. Last evaluated: 2025-03-04. Review status: criteria provided, single submitter. Criteria: ACMG Guidelines, 2015. Collection method: clinical testing. Allele origin: inherited. Inheritance: Autosomal recessive inheritance. Affected: yes.
Comment: Criteria applied: PVS1,PM2_SUP,PM3_SUP

Blueprint Genetics
Classification: Likely pathogenic for CD36-related disorders. Last evaluated: 2024-10-24. Review status: criteria provided, single submitter. Criteria: ACMG Guidelines, 2015. Collection method: clinical testing. Allele origin: germline. Affected: yes. Observed: 5 variant alleles.

Genomic Medicine Center of Excellence, King Faisal Specialist Hospital and Research Centre
Classification: Likely pathogenic for Platelet-type bleeding disorder 10. Last evaluated: 2024-03-26. Review status: criteria provided, single submitter. Criteria: ACMG Guidelines, 2015. Collection method: clinical testing. Allele origin: germline.

Laboratory of Medical Genetics, National & Kapodistrian University of Athens
Classification: Pathogenic for Platelet-type bleeding disorder 10. Last evaluated: 2024-01-08. Review status: criteria provided, single submitter. Criteria: ACMG Guidelines, 2015. Collection method: clinical testing. Allele origin: germline. Affected: yes.
Comment: PVS1, PS4, PM2, PP5 - The variant has been reported in ClinVar by other laboratories (Variation ID 632507) and was detected in trans with NM_001127443.1:c.1181_1185dup variant.

Clinical Genetics Laboratory, Skane University Hospital Lund
Classification: Pathogenic. Last evaluated: 2023-06-12. Review status: criteria provided, single submitter. Criteria: ACMG Guidelines, 2015. Collection method: clinical testing. Allele origin: germline. Affected: yes.

Department of Pathology and Laboratory Medicine, Sinai Health System
Classification: Uncertain significance for Platelet-type bleeding disorder 10. Last evaluated: 2023-05-03. Review status: criteria provided, single submitter. Criteria: ACMG Guidelines, 2015. Collection method: research. Allele origin: germline.

Baylor Genetics
Classification: Pathogenic for Platelet-type bleeding disorder 10. Last evaluated: 2021-05-19. Review status: criteria provided, single submitter. Criteria: ACMG Guidelines, 2015. Collection method: clinical testing. Allele origin: unknown.

Neuberg Centre For Genomic Medicine, NCGM
Classification: Likely pathogenic for Platelet-type bleeding disorder 10. Review status: criteria provided, single submitter. Criteria: ACMG Guidelines, 2015. Collection method: clinical testing. Allele origin: germline. Inheritance: Autosomal recessive inheritance. Affected: yes.
Comment: The stop gained variant c.1079T>G(p.Leu360Ter) in CD36 gene has been reported in multiple individulas affected with CD36 related disorders (Xu et. al., 2021; Chien et al., 2012; Leprêtre et. al., 2004). The observed variant has allele frequency of 0.02% in gnomAD exomes database. This variant has been submitted to the ClinVar database as Uncertain Significance / Likely Pathogenic / Pathogenic. The nucleotide change c.1079T>G in CD36 is predicted as conserved by GERP++ and PhyloP across 100 vertebrates. This variant is predicted to cause loss of normal protein function through protein truncation. Loss of function variants have been previously reported to be disease causing. However, additional functional studies will be required to confirm the pathogenicity of the variant. For these reasons, this variant has been classified as Likely Pathogenic.

Zotz-Klimas Genetics Lab, MVZ Zotz Klimas
Classification: Pathogenic for Platelet-type bleeding disorder 10. Last evaluated: 2023-10-30. Review status: no assertion criteria provided. Collection method: clinical testing. Allele origin: germline. Affected: yes. Not counted in ClinVar's aggregate classification.

Literature cited by the submitters: PubMed 40033798 (cited by Dasa); PubMed 31748580 (cited by Dasa); PubMed 15221799 (cited by Dasa).